The following is an entry in ClinVar:

NC_000001.11:g.(?_44822405)_(44823395_?)dup

Gene: PTCH2 (patched 2; minus strand). Cytogenetic location: 1p34.1.
Variant type: Duplication.
Identifiers: ClinVar variation 832695 (VCV000832695.1).

ClinVar aggregate classification (germline): Uncertain significance (1 of 4 stars; one submission).

Conditions:
Gorlin syndrome. Also called: Basal cell nevus syndrome; Nevoid Basal Cell Carcinoma Syndrome. Identifiers: Orphanet 377, MedGen C0004779, MONDO:0007187.

Submission:

Labcorp Genetics (formerly Invitae), Labcorp
Classification: Uncertain significance for Gorlin syndrome. Last evaluated: 2019-07-15. Review status: criteria provided, single submitter. Criteria: Invitae Variant Classification Sherloc (09022015). Collection method: clinical testing. Allele origin: germline.
Comment: This variant results in a copy number gain of the genomic region encompassing exons 20-22 of the PTCH2 gene. The 5' boundary is likely confined to intron 19. The 3' end of this event is unknown as it extends beyond the assayed region for this gene and therefore may encompass additional genes. As the precise location of this event is unknown, it may be in tandem or it may be located elsewhere in the genome. This variant has not been reported in the literature in individuals with PTCH2-related conditions. In summary, the available evidence is currently insufficient to determine the role of this variant in disease. Therefore, it has been classified as a Variant of Uncertain Significance.